The following is an entry in ClinVar:

NM_001061.7(TBXAS1):c.1243G>A (p.Ala415Thr)

Gene: TBXAS1 (thromboxane A synthase 1; plus strand). Cytogenetic location: 7q34.
Variant type: single nucleotide variant.
Coding change: c.1243G>A on transcript NM_001061.7 (MANE Select); coding-DNA position 1243, G replaced by A.
Protein change: p.Ala415Thr; replaces alanine 415 with threonine.
Molecular consequence: missense variant.
Genome position (GRCh38, 1-based): chr7:140,015,739, G>A. VCF-style: chr7-140015739-G-A. GRCh37 (hg19) VCF-style: chr7-139715539-G-A.
Other names: c.1246G>A (NM_001061.4); c.1243G>A, p.Ala415Thr (NM_001130966.5, NM_030984.6); c.1381G>A, p.Ala461Thr (NM_001166253.4); c.1042G>A, p.Ala348Thr (NM_001166254.4); c.1186G>A, p.Ala396Thr (NM_001314028.4); c.1060G>A, p.Ala354Thr (NM_001366537.3); short protein forms A461T, A415T, A348T, A354T, A396T.
Identifiers: ClinVar variation 1399618 (VCV001399618.7), dbSNP rs754575232, ClinGen allele CA4511962.

ClinVar aggregate classification (germline): Uncertain significance. Review status: criteria provided, multiple submitters, no conflicts (2 of 4 stars). 2 submissions from 2 submitters: Uncertain significance (2). Last evaluated 2025-03-31.

Conditions:
Inborn genetic diseases. Identifiers: MedGen C0950123, MeSH D030342.

Allele frequency attached by ClinVar (database versions not stated): gnomAD exomes below 0.00001; ExAC 0.00001.

Submissions (2):

Ambry Genetics
Classification: Uncertain significance for Inborn genetic diseases. Last evaluated: 2025-03-31. Review status: criteria provided, single submitter. Criteria: Ambry Variant Classification Scheme 2023. Collection method: clinical testing. Allele origin: germline.

Labcorp Genetics (formerly Invitae), Labcorp
Classification: Uncertain significance. Last evaluated: 2021-07-31. Review status: criteria provided, single submitter. Criteria: Invitae Variant Classification Sherloc (09022015). Collection method: clinical testing. Allele origin: germline.
Comment: This variant has not been reported in the literature in individuals affected with TBXAS1-related conditions. This variant is present in population databases (rs754575232, ExAC 0.01%). This sequence change replaces alanine with threonine at codon 416 of the TBXAS1 protein (p.Ala416Thr). The alanine residue is moderately conserved and there is a small physicochemical difference between alanine and threonine. In summary, the available evidence is currently insufficient to determine the role of this variant in disease. Therefore, it has been classified as a Variant of Uncertain Significance. Advanced modeling of protein sequence and biophysical properties (such as structural, functional, and spatial information, amino acid conservation, physicochemical variation, residue mobility, and thermodynamic stability) performed at Invitae indicates that this missense variant is not expected to disrupt TBXAS1 protein function.